The following is an entry in ClinVar:

ClinVar aggregate classification (germline): Conflicting classifications of pathogenicity. Review status: criteria provided, conflicting classifications (1 of 4 stars). 6 submissions from 6 submitters: Likely pathogenic (4); Uncertain significance (1). 1 of the submissions does not count toward it. Last evaluated 2026-09-18.

Conditions:
CFTR-related disorder (CFTR-RD). Also called: CFTR-related disorders; CFTR-related condition. Identifiers: MedGen C5924204, MONDO:7770004.
Congenital bilateral aplasia of vas deferens from CFTR mutation (CBAVD). Identifiers: Orphanet 48, MedGen C0403814, MONDO:0010178, OMIM 277180. Disease mechanism: loss of function.
Bronchiectasis with or without elevated sweat chloride 1 (BESC1). Also called: Cystic Fibrosis-Like Syndrome. Identifiers: Orphanet 60033, MedGen C2749757, MONDO:0008887, OMIM 211400.
Hereditary pancreatitis (PCTT). Also called: Hereditary chronic pancreatitis; PRSS1-Related Hereditary Pancreatitis. Identifiers: Orphanet 676, MedGen C0238339, MONDO:0008185, OMIM 167800.
Cystic fibrosis (CF). Also called: MUCOVISCIDOSIS. Identifiers: Orphanet 586, MedGen C0010674, MONDO:0009061, OMIM 219700. Disease mechanism: loss of function.

Allele frequency attached by ClinVar (database versions not stated): TOPMed below 0.00001.

Submissions (6):

PreventionGenetics, part of Exact Sciences
Classification: Likely pathogenic for CFTR-related condition. Last evaluated: 2026-09-18. Review status: criteria provided, single submitter. Criteria: ACMG Guidelines, 2015. Collection method: clinical testing. Allele origin: germline.
Comment: The CFTR c.1352G>T variant is predicted to result in the amino acid substitution p.Gly451Val. This variant has been reported along with the p.Phe508del variant in individuals with cystic fibrosis, though phase was not specified (McGinniss et al. 2005. PubMed ID: 16189704; Petrova et al. 2020. PubMed ID: 32429104; TableS2, Woodall et al. 2023. PubMed ID: 37701179). This variant has also been reported in the homozygous state or compound heterozygous state, as part of a complex allele in cis with p.Gly253Arg, in individuals with cystic fibrosis (Ruiz-Cabezas et al. 2019. PubMed ID: 30763667; Rueda-Nieto et al. 2022. PubMed ID: 35698092). In vitro experimental studies suggest this variant impacts protein function compared to control (Bihler et al. 2024. PubMed ID: 38388235). This variant has not been reported in a large population database (gnomAD), indicating this variant is rare. An alternate variant at the same amino acid location (p.Gly451Arg) has been reported in individuals with congenital absence of the vas deferens (Table S1, Fang et al. 2022. PubMed ID: 36437957; Supplemental Tables, Qu et al. 2023. PubMed ID: 36604502; Lu et al. 2025. PubMed ID: 40065563) and pancreatitis (Supplemental Information, Zou et al. 2018. PubMed ID: 30420730). Taken together, the c.1352G>T variant is interpreted as likely pathogenic.

Natera, Inc.
Classification: Likely pathogenic for CFTR-related disorders. Last evaluated: 2026-01-05. Review status: criteria provided, single submitter. Criteria: Natera Variant Classification Schema (03/2026). Collection method: clinical testing. Allele origin: germline.
Comment: The c.1352G>T variant in CFTR is a missense variant predicted to cause substitution of glycine to valine at amino acid 451. This variant is rare in the general population with a frequency below the threshold expected for the associated phenotype(s). This variant has been observed in one or more individuals affected with the associated recessive disease, as either homozygous or compound heterozygous with a second variant (PMID: 37701179, 16189704). Functional studies show that this variant may disrupt protein function (PMID: 38388235). Computational prediction algorithms indicate this variant is likely to affect gene or protein function. Given the available evidence, this variant is classified as Likely Pathogenic.

Women's Health and Genetics/Laboratory Corporation of America, LabCorp
Classification: Likely pathogenic for Cystic fibrosis. Last evaluated: 2025-09-15. Review status: criteria provided, single submitter. Criteria: LabCorp Variant Classification Summary - May 2015. Collection method: clinical testing. Allele origin: germline.
Comment: Variant summary: CFTR c.1352G>T (p.Gly451Val) results in a non-conservative amino acid change located in the ABC transporter-like, ATP-binding domain (IPR003439) of the encoded protein sequence. Algorithms developed to predict the effect of missense changes on protein structure and function all suggest that this variant is likely to be disruptive. The variant was absent in 244264 control chromosomes. c.1352G>T has been observed in heterozygous, presumed compound heterozygous, and complex presumed compound heterozygous (sharing an allele with another rare VUS p.Gly253Arg) states in multiple individuals affected with Cystic Fibrosis and/or CFTR-related conditions (example: McGinness_2005, Petrova_2020, Rueda-Nieto_2022, Ruiz-Cabezas_2019, Shen_2022, Woodall_2021, Woodall_2023). The impact of the complex allele consisting of c.[757G>A;1352G>T] p.[(Gly253Arg;Gly451Val)] may be pathogenic as it has been seen in several individuals affected with cystic fibrosis-spectrum disease with various presumed compound heterozygous pathogenic variants on the second allele (example: Ruiz-Cabezas_2019); however, the impact of p.Gly451Val alone cannot be disambiguated. These data indicate that the variant may be associated with disease. At least one publication reports experimental evidence evaluating an impact on protein function. The most pronounced variant effect resulted in approximately 16.37% of normal chloride channel conductance relative to wild type (example: Bihler_2024). The following publications have been ascertained in the context of this evaluation (PMID: 16189704, 32429104, 30763667, 35698092, 35858753, 34613844, 37701179, 38388235). ClinVar contains an entry for this variant (Variation ID: 553569). Based on the evidence outlined above, the variant was classified as likely pathogenic.

Fulgent Genetics
Classification: Likely pathogenic for Hereditary pancreatitis; Bronchiectasis with or without elevated sweat chloride 1; Cystic fibrosis; Congenital bilateral aplasia of vas deferens from CFTR mutation. Last evaluated: 2024-06-12. Review status: criteria provided, single submitter. Criteria: ACMG Guidelines, 2015. Collection method: clinical testing. Allele origin: germline.

GeneDx
Classification: Uncertain significance. Last evaluated: 2023-10-31. Review status: criteria provided, single submitter. Criteria: GeneDx Variant Classification Process June 2021. Collection method: clinical testing. Allele origin: germline. Affected: yes.
Comment: Reported on the same chromosome (in cis) as p.(Gly253Arg) in heterozygous or homozygous state in multiple individuals with cystic fibrosis from Ecuador, but additional clinical information and familial segregation information was not included (PMID: 30763667); Not observed at significant frequency in large population cohorts (gnomAD); In silico analysis supports that this missense variant has a deleterious effect on protein structure/function; This variant is associated with the following publications: (PMID: 32596391, 32429104, 16189704, 35698092, 30763667)

Counsyl
Classification: Uncertain significance for Cystic fibrosis. Last evaluated: 2017-08-30. Review status: no assertion criteria provided. Collection method: clinical testing. Allele origin: unknown. Not counted in ClinVar's aggregate classification.

Literature cited by the submitters: PubMed 37701179 (cited by Natera, Inc. and Women's Health and Genetics/Laboratory Corporation of America, LabCorp); PubMed 16189704 (cited by 3 submitters); PubMed 38388235 (cited by Natera, Inc. and Women's Health and Genetics/Laboratory Corporation of America, LabCorp); PubMed 32429104 (cited by Women's Health and Genetics/Laboratory Corporation of America, LabCorp); PubMed 30763667 (cited by Women's Health and Genetics/Laboratory Corporation of America, LabCorp); PubMed 35698092 (cited by Women's Health and Genetics/Laboratory Corporation of America, LabCorp); PubMed 35858753 (cited by Women's Health and Genetics/Laboratory Corporation of America, LabCorp); PubMed 34613844 (cited by Women's Health and Genetics/Laboratory Corporation of America, LabCorp).

NM_000492.4(CFTR):c.1352G>T (p.Gly451Val)

Genes: CFTR (CF transmembrane conductance regulator; plus strand), CFTR-AS1 (CFTR antisense RNA 1; minus strand). Cytogenetic location: 7q31.2.
Variant type: single nucleotide variant.
Coding change: c.1352G>T on transcript NM_000492.4 (MANE Select); coding-DNA position 1352, G replaced by T.
Protein change: p.Gly451Val; replaces glycine 451 with valine.
Molecular consequence: missense variant.
Genome position (GRCh38, 1-based): chr7:117,548,783, G>T. VCF-style: chr7-117548783-G-T. GRCh37 (hg19) VCF-style: chr7-117188837-G-T.
Other names: short protein forms G451V.
Identifiers: ClinVar variation 553569 (VCV000553569.7), dbSNP rs1554382653, ClinGen allele CA368982277.